The following is an entry in ClinVar:

ClinVar aggregate classification (germline): Likely pathogenic. Review status: criteria provided, multiple submitters, no conflicts (2 of 4 stars). 2 submissions from 2 submitters: Likely pathogenic (2). Last evaluated 2025-11-22.

Allele frequency attached by ClinVar (database versions not stated): TOPMed below 0.00001; ExAC 0.00001; gnomAD 0.00001.

Submissions (2):

Labcorp Genetics (formerly Invitae), Labcorp
Classification: Likely pathogenic. Last evaluated: 2025-11-22. Review status: criteria provided, single submitter. Criteria: Invitae Variant Classification Sherloc (09022015). Collection method: clinical testing. Allele origin: germline.
Comment: This sequence change affects a donor splice site in intron 12 of the F11 gene. It is expected to disrupt RNA splicing. Variants that disrupt the donor or acceptor splice site typically lead to a loss of protein function (PMID: 16199547), and loss-of-function variants in F11 are known to be pathogenic (PMID: 23929304). This variant is present in population databases (rs767037207, gnomAD 0.007%). This variant has not been reported in the literature in individuals affected with F11-related conditions. ClinVar contains an entry for this variant (Variation ID: 2683344). Algorithms developed to predict the effect of sequence changes on RNA splicing suggest that this variant may disrupt the consensus splice site. In summary, the currently available evidence indicates that the variant is pathogenic, but additional data are needed to prove that conclusively. Therefore, this variant has been classified as Likely Pathogenic.

Mayo Clinic Laboratories, Mayo Clinic
Classification: Likely pathogenic. Last evaluated: 2022-05-12. Review status: criteria provided, single submitter. Criteria: ACMG Guidelines, 2015. Collection method: clinical testing. Allele origin: germline. Observed: 1 variant allele.
Comment: PM2, PVS1

Literature cited by the submitters: PubMed 16199547 (cited by Labcorp Genetics (formerly Invitae), Labcorp); PubMed 23929304 (cited by Labcorp Genetics (formerly Invitae), Labcorp).

NM_000128.4(F11):c.1480+1G>T

Gene: F11 (coagulation factor XI; plus strand). Cytogenetic location: 4q35.2.
Variant type: single nucleotide variant.
Coding change: c.1480+1G>T on transcript NM_000128.4 (MANE Select); the canonical splice donor site of the intron after coding-DNA position 1480, G replaced by T.
Molecular consequence: splice donor variant.
Genome position (GRCh38, 1-based): chr4:186,285,814, G>T. VCF-style: chr4-186285814-G-T. GRCh37 (hg19) VCF-style: chr4-187206968-G-T.
Other names: p.?.
Identifiers: ClinVar variation 2683344 (VCV002683344.2), dbSNP rs767037207, ClinGen allele CA3163986.
Genomic context (GRCh38, chr4:186,285,814, plus strand): 5'-TGGCAGAAAGCGGGTATGATATTGCCTTGTTGAAACTGGAAACCACAGTGAATTACACAG[G>T]TACGGAGAATTTTATCCGGAAAGTTGTCTCCAATGGTGAACTGGATAAAATGTTTAACAC-3'